The following is an entry in ClinVar:

ClinVar aggregate classification (germline): Uncertain significance (1 of 4 stars; one submission).

Conditions:
Hereditary nonpolyposis colorectal neoplasms. Identifiers: MedGen C0009405, MeSH D003123.

Allele frequency attached by ClinVar (database versions not stated): gnomAD exomes below 0.00001.
gnomAD v4.1: 1 of 1,614,146 alleles (0.000062%); highest among the groups gnomAD compares: Non-Finnish European, 0.000085%; no homozygotes.

Submission:

Labcorp Genetics (formerly Invitae), Labcorp
Classification: Uncertain significance for Hereditary nonpolyposis colorectal neoplasms. Last evaluated: 2021-10-21. Review status: criteria provided, single submitter. Criteria: Invitae Variant Classification Sherloc (09022015). Collection method: clinical testing. Allele origin: germline.
Comment: This variant is not present in population databases (ExAC no frequency). In summary, the available evidence is currently insufficient to determine the role of this variant in disease. Therefore, it has been classified as a Variant of Uncertain Significance. Advanced modeling of protein sequence and biophysical properties (such as structural, functional, and spatial information, amino acid conservation, physicochemical variation, residue mobility, and thermodynamic stability) performed at Invitae indicates that this missense variant is not expected to disrupt MSH6 protein function. This variant has not been reported in the literature in individuals affected with MSH6-related conditions. This sequence change replaces lysine with asparagine at codon 189 of the MSH6 protein (p.Lys189Asn). The lysine residue is weakly conserved and there is a moderate physicochemical difference between lysine and asparagine.

NM_000179.3(MSH6):c.567G>C (p.Lys189Asn)

Gene: MSH6 (mutS homolog 6; plus strand). Cytogenetic location: 2p16.3.
Variant type: single nucleotide variant.
Coding change: c.567G>C on transcript NM_000179.3 (MANE Select); coding-DNA position 567, G replaced by C.
Protein change: p.Lys189Asn; replaces lysine 189 with asparagine.
Molecular consequence: missense variant. On other transcripts: 5 prime UTR variant (1), intron variant (2).
Genome position (GRCh38, 1-based): chr2:47,796,003, G>C. VCF-style: chr2-47796003-G-C. GRCh37 (hg19) VCF-style: chr2-48023142-G-C.
Other names: c.-336G>C (NM_001281494.2); c.-279-2608G>C (NM_001281493.2); c.238-2608G>C (NM_001281492.2); short protein forms K189N.
Identifiers: ClinVar variation 1345659 (VCV001345659.6), dbSNP rs2104236539, ClinGen allele CA346738784.